The following is an entry in ClinVar:

ClinVar aggregate classification (germline): Pathogenic. Review status: criteria provided, single submitter (1 of 4 stars). 2 submissions from 1 submitter: Pathogenic (2). Last evaluated 2020-02-14.

Conditions:
Sotos syndrome (SOTOS). Also called: CEREBRAL GIGANTISM; Sotos' syndrome; Distinctive facial appearance, overgrowth in childhood, and learning disabilities or delayed development; CHROMOSOME 5q35 DELETION SYNDROME; SOTOS SYNDROME 1. Identifiers: Orphanet 821, MedGen C0175695, MONDO:0019349, OMIM 117550.
Beckwith-Wiedemann syndrome (BWS). Also called: Exomphalos macroglossia gigantism syndrome; EMG SYNDROME. Identifiers: Orphanet 116, MedGen C0004903, MONDO:0007534, OMIM 130650.

Submissions (2):

Labcorp Genetics (formerly Invitae), Labcorp
Classification: Pathogenic. Last evaluated: 2020-02-14. Review status: criteria provided, single submitter. Criteria: Invitae Variant Classification Sherloc (09022015). Collection method: clinical testing. Allele origin: germline.
Comment: This sequence change creates a premature translational stop signal (p.Met1141Argfs*11) in the NSD1 gene. It is expected to result in an absent or disrupted protein product. This variant is not present in population databases (ExAC no frequency). This variant has not been reported in the literature in individuals with NSD1-related conditions. ClinVar contains an entry for this variant (Variation ID: 454049). Loss-of-function variants in NSD1 are known to be pathogenic (PMID: 12464997, 14571271, 15942875, 16247291). For these reasons, this variant has been classified as Pathogenic.

Labcorp Genetics (formerly Invitae), Labcorp
Classification: Pathogenic for Beckwith-Wiedemann syndrome. Last evaluated: 2017-03-26. Review status: criteria provided, single submitter. Criteria: Invitae Variant Classification Sherloc (09022015). Collection method: clinical testing. Allele origin: germline.
Comment: This sequence change deletes 1 nucleotide from exon 5 of the NSD1 mRNA (c.3422delT), causing a frameshift at codon 1141. This creates a premature translational stop signal (p.Met1141Argfs*11) and is expected to result in an absent or disrupted protein product. While this particular variant has not been reported in the literature, loss-of-function variants in NSD1 are known to be pathogenic (PMID: 12807965, 15942875, 17565729). For these reasons, this variant has been classified as Pathogenic.

Literature cited by the submitters: PubMed 12464997; PubMed 14571271; PubMed 15942875; PubMed 16247291.

NM_022455.5(NSD1):c.3422del (p.Met1141fs)

Gene: NSD1 (nuclear receptor binding SET domain protein 1; plus strand). Cytogenetic location: 5q35.3.
Variant type: Deletion.
Coding change: c.3422del on transcript NM_022455.5 (MANE Select); coding-DNA position 3422, one base deleted (T; older notation c.3422delT).
Protein change: p.Met1141fs; shifts the reading frame from methionine 1141.
Molecular consequence: frameshift variant.
Genome position (GRCh38, 1-based): chr5:177,211,821, T deleted. VCF-style (leftmost placement, unchanged base first): chr5-177211820-AT-A. GRCh37 (hg19) VCF-style: chr5-176638821-AT-A.
Other names: c.3422delT, p.Met1141Argfs (NM_001409301.1, NM_001409302.1, NM_001409303.1); c.3002delT, p.Met1001Argfs (NM_001409304.1); c.2669delT, p.Met890Argfs (NM_001409305.1); c.2549delT, p.Met850Argfs (NM_001409306.1, NM_001409307.1, NM_001409308.1 and 3 more transcripts); short protein forms M1141fs, M872fs.
Identifiers: ClinVar variation 454049 (VCV000454049.6), dbSNP rs1554190247, ClinGen allele CA658655929.